The following is an entry in ClinVar:

ClinVar aggregate classification (germline): Uncertain significance (1 of 4 stars; one submission).

Conditions:
Neuroblastoma, susceptibility to, 3. Also called: ALK-Related Neuroblastic Tumor Susceptibility. Identifiers: Orphanet 635, MedGen C2751681, MONDO:0013083, OMIM 613014.

Submission:

Labcorp Genetics (formerly Invitae), Labcorp
Classification: Uncertain significance for Neuroblastoma, susceptibility to, 3. Last evaluated: 2025-08-15. Review status: criteria provided, single submitter. Criteria: Invitae Variant Classification Sherloc (09022015). Collection method: clinical testing. Allele origin: germline.
Comment: This variant, c.4699_4701del, results in the deletion of 1 amino acid(s) of the ALK protein (p.Lys1567del), but otherwise preserves the integrity of the reading frame. This variant is not present in population databases (gnomAD no frequency). This variant has not been reported in the literature in individuals affected with ALK-related conditions. Experimental studies and prediction algorithms are not available or were not evaluated, and the functional significance of this variant is currently unknown. In summary, the available evidence is currently insufficient to determine the role of this variant in disease. Therefore, it has been classified as a Variant of Uncertain Significance.

NM_004304.5(ALK):c.4699_4701del (p.Lys1567del)

Gene: ALK (ALK receptor tyrosine kinase; minus strand). Cytogenetic location: 2p23.2.
Variant type: Deletion.
Coding change: c.4699_4701del on transcript NM_004304.5 (MANE Select); coding-DNA positions 4699 to 4701, 3 bases deleted (AAG; older notation c.4699_4701delAAG).
Protein change: p.Lys1567del; deletes lysine 1567.
Molecular consequence: inframe deletion.
Genome position (GRCh38, 1-based): chr2:29,193,386-29,193,388, CTT deleted on the plus strand (AAG on the coding strand, the reverse complement: ALK is on the minus strand); deleting any 3 consecutive bases within chr2:29,193,386-29,193,389 gives the same sequence; the c. name uses the placement nearest the transcript's 3' end. VCF-style (leftmost placement, unchanged base first): chr2-29193385-CCTT-C. GRCh37 (hg19) VCF-style: chr2-29416251-CCTT-C.
Other names: c.1495_1497del, p.Lys499del (NM_001353765.2); short protein forms K499del, K1567del.
Identifiers: ClinVar variation 4741498 (VCV004741498.1).